The following is an entry in ClinVar:

ClinVar aggregate classification (germline): Uncertain significance (1 of 4 stars; one submission).

gnomAD v4.1: 1 of 1,609,164 alleles (0.000062%); highest among the groups gnomAD compares: Admixed American, 0.0017%; no homozygotes.

Submission:

Labcorp Genetics (formerly Invitae), Labcorp
Classification: Uncertain significance. Last evaluated: 2025-09-03. Review status: criteria provided, single submitter. Criteria: Invitae Variant Classification Sherloc (09022015). Collection method: clinical testing. Allele origin: germline.
Comment: This sequence change replaces glycine, which is neutral and non-polar, with serine, which is neutral and polar, at codon 516 of the TBX18 protein (p.Gly516Ser). This variant is not present in population databases (gnomAD no frequency). This variant has not been reported in the literature in individuals affected with TBX18-related conditions. ClinVar contains an entry for this variant (Variation ID: 2962253). Invitae Evidence Modeling of protein sequence and biophysical properties (such as structural, functional, and spatial information, amino acid conservation, physicochemical variation, residue mobility, and thermodynamic stability) indicates that this missense variant is not expected to disrupt TBX18 protein function with a negative predictive value of 80%. In summary, the available evidence is currently insufficient to determine the role of this variant in disease. Therefore, it has been classified as a Variant of Uncertain Significance.

NM_001080508.3(TBX18):c.1546G>A (p.Gly516Ser)

Gene: TBX18 (T-box transcription factor 18; minus strand). Cytogenetic location: 6q14.3.
Variant type: single nucleotide variant.
Coding change: c.1546G>A on transcript NM_001080508.3 (MANE Select); coding-DNA position 1546, G replaced by A.
Protein change: p.Gly516Ser; replaces glycine 516 with serine.
Molecular consequence: missense variant.
Genome position (GRCh38, 1-based): chr6:84,736,963, C>T on the plus strand (G>A on the coding strand, the complement: TBX18 is on the minus strand). VCF-style: chr6-84736963-C-T. GRCh37 (hg19) VCF-style: chr6-85446681-C-T.
Other names: short protein forms G516S.
Identifiers: ClinVar variation 2962253 (VCV002962253.3), dbSNP rs375591537, ClinGen allele CA364894203.
Genomic context (GRCh38, chr6:84,736,963, plus strand): 5'-TGGAGAAGTTATATCCATATAGTGCACAGGGGCTGTGTAATCTAAAAGTATTATAGGAAC[C>T]CTGATGGGTCTGGTTAGTGGCGAAGGCATTGCTGGAGGGTGATGGCATGATATACTGGAG-3'
Protein context (NP_001073977.1, residues 506-526): NAFATNQTHQ[Gly516Ser]SYNTFRLHSP